The following is an entry in ClinVar:

ClinVar aggregate classification (germline): Uncertain significance. Review status: criteria provided, multiple submitters, no conflicts (2 of 4 stars). 3 submissions from 3 submitters: Uncertain significance (3). Last evaluated 2025-11-23.

Conditions:
Cardiovascular phenotype. Identifiers: MedGen CN230736.

Allele frequency attached by ClinVar (database versions not stated): gnomAD 0.00002 and 0.00001; TOPMed 0.00002; gnomAD exomes 0.00003 and 0.00005; ExAC 0.00004; 1000 Genomes Project 30x 0.00016.
gnomAD v4.1: 44 of 1,613,988 alleles (0.0027%); highest among the groups gnomAD compares: South Asian, 0.03%; no homozygotes.

Submissions (3):

Labcorp Genetics (formerly Invitae), Labcorp
Classification: Uncertain significance. Last evaluated: 2025-11-23. Review status: criteria provided, single submitter. Criteria: Invitae Variant Classification Sherloc (09022015). Collection method: clinical testing. Allele origin: germline.
Comment: This sequence change replaces arginine, which is basic and polar, with tryptophan, which is neutral and slightly polar, at codon 1681 of the ALPK3 protein (p.Arg1681Trp). This variant is present in population databases (rs776415532, gnomAD 0.03%). This variant has not been reported in the literature in individuals affected with ALPK3-related conditions. ClinVar contains an entry for this variant (Variation ID: 636491). Invitae Evidence Modeling of protein sequence and biophysical properties (such as structural, functional, and spatial information, amino acid conservation, physicochemical variation, residue mobility, and thermodynamic stability) indicates that this missense variant is expected to disrupt ALPK3 protein function with a positive predictive value of 80%. In summary, the available evidence is currently insufficient to determine the role of this variant in disease. Therefore, it has been classified as a Variant of Uncertain Significance.

Ambry Genetics
Classification: Uncertain significance for Cardiovascular phenotype. Last evaluated: 2023-12-30. Review status: criteria provided, single submitter. Criteria: Ambry Variant Classification Scheme 2023. Collection method: clinical testing. Allele origin: germline.
Comment: The p.R1681W variant (also known as c.5041C>T), located in coding exon 11 of the ALPK3 gene, results from a C to T substitution at nucleotide position 5041. The arginine at codon 1681 is replaced by tryptophan, an amino acid with dissimilar properties. This amino acid position is conserved. In addition, this alteration is predicted to be tolerated by in silico analysis. Since supporting evidence is limited at this time, the clinical significance of this alteration remains unclear.

Blueprint Genetics
Classification: Uncertain significance. Last evaluated: 2023-06-12. Review status: criteria provided, single submitter. Criteria: ACMG Guidelines, 2015. Collection method: clinical testing. Allele origin: germline.

NM_020778.5(ALPK3):c.4435C>T (p.Arg1479Trp)

Gene: ALPK3 (alpha kinase 3; plus strand). Cytogenetic location: 15q25.3.
Variant type: single nucleotide variant.
Coding change: c.4435C>T on transcript NM_020778.5 (MANE Select); coding-DNA position 4435, C replaced by T.
Protein change: p.Arg1479Trp; replaces arginine 1479 with tryptophan.
Molecular consequence: missense variant.
Genome position (GRCh38, 1-based): chr15:84,863,576, C>T. VCF-style: chr15-84863576-C-T. GRCh37 (hg19) VCF-style: chr15-85406807-C-T.
Other names: short protein forms R1681W, R1479W.
Identifiers: ClinVar variation 636491 (VCV000636491.8), dbSNP rs776415532, ClinGen allele CA7709968.
Genomic context (GRCh38, chr15:84,863,576, plus strand): 5'-TTCTTTGCTCACCACATTTGGTTCCCTCATCCACAGGGGTGCAAGATCCAGAACATGAGT[C>T]GGGAGTACTGCAAAATCTTCGCAGCAGAAGCCCGGGCCGCGCCTGGCTTTGGGGAGGTGC-3'
Protein context (NP_065829.4, residues 1469-1489): IQGCKIQNMS[Arg1479Trp]EYCKIFAAEA